The following is an entry in ClinVar:

NM_000059.4(BRCA2):c.5822_5823del (p.Lys1941fs)

Gene: BRCA2 (BRCA2 DNA repair associated; plus strand). Cytogenetic location: 13q13.1.
Variant type: Deletion.
Coding change: c.5822_5823del on transcript NM_000059.4 (MANE Select); coding-DNA positions 5822 to 5823, 2 bases deleted (AA; older notation c.5822_5823delAA).
Protein change: p.Lys1941fs; shifts the reading frame from lysine 1941.
Molecular consequence: frameshift variant.
Genome position (GRCh38, 1-based): chr13:32,340,177-32,340,178, AA deleted; deleting any 2 consecutive bases within chr13:32,340,176-32,340,178 gives the same sequence; the c. name uses the placement nearest the transcript's 3' end. VCF-style (leftmost placement, unchanged base first): chr13-32340175-GAA-G. GRCh37 (hg19) VCF-style: chr13-32914312-GAA-G.
Other names: c.5822_5823delAA, p.Lys1941Serfs (NM_001406719.1, NM_001406720.1); short protein forms K1941fs.
Identifiers: ClinVar variation 1749901 (VCV001749901.7), dbSNP rs80359540, ClinGen allele CA2580087781.

ClinVar aggregate classification (germline): Pathogenic. Review status: criteria provided, multiple submitters, no conflicts (2 of 4 stars). 2 submissions from 2 submitters: Pathogenic (2). Last evaluated 2022-09-22.

Conditions:
Hereditary breast ovarian cancer syndrome. Also called: Hereditary breast and ovarian cancer; BRCA1- and BRCA2-Associated Hereditary Breast and Ovarian Cancer; Hereditary breast and ovarian cancer syndrome (HBOC); Hereditary breast and ovarian cancer syndrome; Breast and ovarian cancer; Hereditary breast and/or ovarian cancer syndrome. Identifiers: Orphanet 145, MedGen C0677776, MeSH D061325, MONDO:0003582. Disease mechanism: loss of function.
Hereditary cancer-predisposing syndrome. Also called: Hereditary Cancer Syndrome; Hereditary neoplastic syndrome; Neoplastic Syndromes, Hereditary; Tumor predisposition. Identifiers: Orphanet 140162, MedGen C0027672, MeSH D009386, MONDO:0015356.

Submissions (2):

Labcorp Genetics (formerly Invitae), Labcorp
Classification: Pathogenic for Hereditary breast ovarian cancer syndrome. Last evaluated: 2022-09-22. Review status: criteria provided, single submitter. Criteria: Invitae Variant Classification Sherloc (09022015). Collection method: clinical testing. Allele origin: germline.
Comment: This sequence change creates a premature translational stop signal (p.Lys1941Serfs*3) in the BRCA2 gene. It is expected to result in an absent or disrupted protein product. Loss-of-function variants in BRCA2 are known to be pathogenic (PMID: 20104584). This variant is not present in population databases (gnomAD no frequency). For these reasons, this variant has been classified as Pathogenic. This variant has not been reported in the literature in individuals affected with BRCA2-related conditions.

Ambry Genetics
Classification: Pathogenic for Hereditary cancer-predisposing syndrome. Last evaluated: 2021-07-30. Review status: criteria provided, single submitter. Criteria: Ambry Variant Classification Scheme 2023. Collection method: clinical testing. Allele origin: germline.
Comment: The c.5822_5823delAA pathogenic mutation, located in coding exon 10 of the BRCA2 gene, results from a deletion of two nucleotides at nucleotide positions 5822 to 5823, causing a translational frameshift with a predicted alternate stop codon (p.K1941Sfs*3). This alteration is expected to result in loss of function by premature protein truncation or nonsense-mediated mRNA decay. As such, this alteration is interpreted as a disease-causing mutation.

Literature cited by the submitters: PubMed 20104584 (cited by Labcorp Genetics (formerly Invitae), Labcorp).